The following is an entry in ClinVar:

NM_000186.4(CFH):c.974G>A (p.Cys325Tyr)

Gene: CFH (complement factor H; plus strand). Cytogenetic location: 1q31.3.
Variant type: single nucleotide variant.
Coding change: c.974G>A on transcript NM_000186.4 (MANE Select); coding-DNA position 974, G replaced by A.
Protein change: p.Cys325Tyr; replaces cysteine 325 with tyrosine.
Molecular consequence: missense variant.
Genome position (GRCh38, 1-based): chr1:196,689,429, G>A. VCF-style: chr1-196689429-G-A. GRCh37 (hg19) VCF-style: chr1-196658559-G-A.
Other names: c.974G>A, p.Cys325Tyr (NM_001014975.3); short protein forms C325Y.
Identifiers: ClinVar variation 4291340 (VCV004291340.2).

ClinVar aggregate classification (germline): Likely pathogenic, low penetrance (1 of 4 stars; one submission).

Conditions:
Atypical hemolytic-uremic syndrome. Identifiers: Orphanet 2134, MedGen C2931788, MONDO:0016244.
Age related macular degeneration 4. Identifiers: MedGen C1853147, MONDO:0012540, OMIM 610698.

Submission:

Genomenon, Inc
Classification: Likely pathogenic, low penetrance for Atypical hemolytic-uremic syndrome; Age related macular degeneration 4. Last evaluated: 2025-10-02. Review status: criteria provided, single submitter. Criteria: Genomenon Sequence Variant Interpretation Standards - Updated. Collection method: curation. Allele origin: germline. Affected: yes.
Comment: CFH p.Cys325Tyr (c.974G>A) is a missense variant that changes the amino acid at residue 325 from Cysteine to Tyrosine. This variant has been observed in at least one proband affected with a CFH-related disorder (PMID:26501415;20513133). Functional studies have been reported (PMID:34189567). It is absent or not present at a significant frequency in gnomAD. In silico models agree that this variant is possibly or probably damaging. In conclusion, we classify CFH p.Cys325Tyr (c.974G>A) as a likely pathogenic, low penetrance variant.

Literature cited by the submitters: PubMed 29686068; PubMed 26501415; PubMed 20513133; PubMed 34189567; PubMed 25188723; PubMed 22170528; PubMed 24161037.